The following is an entry in ClinVar:

NM_001042492.3(NF1):c.2326-2A>G

Gene: NF1 (neurofibromin 1; plus strand). Cytogenetic location: 17q11.2.
Variant type: single nucleotide variant.
Coding change: c.2326-2A>G on transcript NM_001042492.3 (MANE Select); the canonical splice acceptor site of the intron before coding-DNA position 2326, A replaced by G.
Molecular consequence: splice acceptor variant.
Genome position (GRCh38, 1-based): chr17:31,227,521, A>G. VCF-style: chr17-31227521-A-G. GRCh37 (hg19) VCF-style: chr17-29554539-A-G.
Other names: c.2326-2A>G (NM_000267.4).
Identifiers: ClinVar variation 480183 (VCV000480183.13), dbSNP rs1555613975, ClinGen allele CA398982986.

ClinVar aggregate classification (germline): Pathogenic/Likely pathogenic. Review status: criteria provided, multiple submitters, no conflicts (2 of 4 stars). 5 submissions from 5 submitters: Pathogenic (4); Likely pathogenic (1). Last evaluated 2024-08-27.

Conditions:
Cardiovascular phenotype. Identifiers: MedGen CN230736.
Hereditary cancer-predisposing syndrome. Also called: Hereditary neoplastic syndrome; Neoplastic Syndromes, Hereditary; Tumor predisposition; Hereditary Cancer Syndrome. Identifiers: Orphanet 140162, MedGen C0027672, MeSH D009386, MONDO:0015356.
Neurofibromatosis, type 1 (NF1). Also called: VON RECKLINGHAUSEN DISEASE; Peripheral type neurofibromatosis; NEUROFIBROMATOSIS, TYPE I, SOMATIC; Neurofibromatosis, type I. Identifiers: Orphanet 636, MedGen C0027831, MONDO:0018975, OMIM 162200. Disease mechanism: loss of function.

Submissions (5):

Labcorp Genetics (formerly Invitae), Labcorp
Classification: Pathogenic for Neurofibromatosis, type 1. Last evaluated: 2024-08-27. Review status: criteria provided, single submitter. Criteria: Invitae Variant Classification Sherloc (09022015). Collection method: clinical testing. Allele origin: germline.
Comment: This sequence change affects an acceptor splice site in intron 19 of the NF1 gene. It is expected to disrupt RNA splicing. Variants that disrupt the donor or acceptor splice site typically lead to a loss of protein function (PMID: 16199547), and loss-of-function variants in NF1 are known to be pathogenic (PMID: 10712197, 23913538). This variant is not present in population databases (gnomAD no frequency). Disruption of this splice site has been observed in individual(s) with neurofibromatosis type 1 (PMID: 12552569, 15146469). ClinVar contains an entry for this variant (Variation ID: 480183). Algorithms developed to predict the effect of sequence changes on RNA splicing suggest that this variant may disrupt the consensus splice site. For these reasons, this variant has been classified as Pathogenic.

GeneDx
Classification: Pathogenic. Last evaluated: 2024-02-21. Review status: criteria provided, single submitter. Criteria: GeneDx Variant Classification Process June 2021. Collection method: clinical testing. Allele origin: germline. Affected: yes.
Comment: Canonical splice site variant predicted to result in an in-frame loss of the adjacent exon in a gene for which loss of function is a known mechanism of disease; Not observed at significant frequency in large population cohorts (gnomAD); Deletions involving coding exons of this gene are a known mechanism of disease (HGMD); Also known as 2325-2A>G; This variant is associated with the following publications: (PMID: 25525159, 12552569, 15146469, 25486365, 37569527)

3billion
Classification: Pathogenic for Neurofibromatosis, type 1. Last evaluated: 2024-02-15. Review status: criteria provided, single submitter. Criteria: ACMG Guidelines, 2015. Collection method: clinical testing. Allele origin: germline. Affected: yes.
Comment: The variant is not observed in the gnomAD v2.1.1 dataset. Predicted Consequence/Location: Canonical splice site: predicted to alter splicing and result in a loss or disruption of normal protein function. Multiple pathogenic loss-of-function variants are reported downstream of the variant. The variant has been reported at least twice as pathogenic with clinical assertions and evidence for the classification (ClinVar ID: VCV000480183 /PMID: 12552569). Therefore, this variant is classified as Pathogenic according to the recommendation of ACMG/AMP guideline.

Genome-Nilou Lab
Classification: Likely pathogenic for Neurofibromatosis, type 1. Last evaluated: 2022-03-15. Review status: criteria provided, single submitter. Criteria: ACMG Guidelines, 2015. Collection method: clinical testing. Allele origin: germline. Affected: no.

Ambry Genetics
Classification: Pathogenic for Cardiovascular phenotype; Hereditary cancer-predisposing syndrome. Last evaluated: 2016-12-30. Review status: criteria provided, single submitter. Criteria: Ambry Variant Classification Scheme 2023. Collection method: clinical testing. Allele origin: germline.
Comment: The c.2326-2A>G intronic pathogenic mutation results from an A to G substitution two nucleotides upstream from coding exon 20 in the NF1 gene. This alteration has been detected in an individual with a clinical diagnosis of neurofibromatosis type 1 (NF1) as well as a family history of NF1 (De Luca A et al. Hum. Mutat., 2003 Feb;21:171-2). In addition to the clinical data presented in the literature, alterations that disrupt the canonical splice site are expected to cause aberrant splicing, resulting in an abnormal protein or a transcript that is subject to nonsense-mediated mRNA decay. As such, this alteration is classified as a disease-causing mutation.

Literature cited by the submitters: PubMed 16199547 (cited by Labcorp Genetics (formerly Invitae), Labcorp); PubMed 10712197 (cited by Labcorp Genetics (formerly Invitae), Labcorp); PubMed 23913538 (cited by Labcorp Genetics (formerly Invitae), Labcorp); PubMed 12552569 (cited by Labcorp Genetics (formerly Invitae), Labcorp and 3billion); PubMed 15146469 (cited by Labcorp Genetics (formerly Invitae), Labcorp).